The following is an entry in ClinVar:

ClinVar aggregate classification (germline): Uncertain significance (1 of 4 stars; one submission).

Submission:

GeneDx
Classification: Uncertain significance. Last evaluated: 2023-11-10. Review status: criteria provided, single submitter. Criteria: GeneDx Variant Classification Process June 2021. Collection method: clinical testing. Allele origin: germline. Affected: yes.
Comment: Not observed at significant frequency in large population cohorts (gnomAD); In silico analysis supports that this variant does not alter splicing; Has not been previously published as pathogenic or benign to our knowledge

NM_000330.4(RS1):c.184+3146A>T

Genes: CDKL5 (cyclin dependent kinase like 5; plus strand), RS1 (retinoschisin 1; minus strand). Cytogenetic location: Xp22.13.
Variant type: single nucleotide variant.
Coding change: c.184+3146A>T on transcript NM_000330.4 (MANE Select); 3146 bases into the intron after coding-DNA position 184, A replaced by T.
Molecular consequence: intron variant. On other transcripts: missense variant (2).
Genome position (GRCh38, 1-based): chrX:18,653,507, T>A on the plus strand (A>T on the coding strand, the complement: RS1 is on the minus strand). VCF-style: chrX-18653507-T-A. GRCh37 (hg19) VCF-style: chrX-18671627-T-A.
Other names: c.3056T>A, p.Leu1019Gln (NM_001037343.2, NM_003159.3); short protein forms L1019Q.
Identifiers: ClinVar variation 3363888 (VCV003363888.1).
Genomic context (GRCh38, chrX:18,653,507, plus strand): 5'-TGAGACACGTTATGAGGGAAGCCCTGATTCACAGGGCCCAGGTAAACCAAGCTGCGCTCC[T>A]GACATACCATGAGAATGCGGCACTGACGGGCAAGTGACTTCTGCAAGCCTGCGGCTGGTC-3'